The following is an entry in ClinVar:

NM_001352027.3(PHF21A):c.481G>A (p.Ala161Thr)

Gene: PHF21A (PHD finger protein 21A; minus strand). Cytogenetic location: 11p11.2.
Variant type: single nucleotide variant.
Coding change: c.481G>A on transcript NM_001352027.3 (MANE Select); coding-DNA position 481, G replaced by A.
Protein change: p.Ala161Thr; replaces alanine 161 with threonine.
Molecular consequence: missense variant. On other transcripts: non-coding transcript variant (2), intron variant (1).
Genome position (GRCh38, 1-based): chr11:45,971,247, C>T on the plus strand (G>A on the coding strand, the complement: PHF21A is on the minus strand). VCF-style: chr11-45971247-C-T. GRCh37 (hg19) VCF-style: chr11-45992798-C-T.
Other names: c.481G>A, p.Ala161Thr (NM_001101802.3, NM_001352025.3, NM_001352026.3 and 7 more transcripts); c.478G>A, p.Ala160Thr (NM_001352030.3); c.502G>A, p.Ala168Thr (NM_001441167.1, NM_001441168.1); c.499G>A, p.Ala167Thr (NM_001441169.1); c.361-1343G>A (NM_001441172.1); short protein forms A160T, A167T, A161T, A168T.
Identifiers: ClinVar variation 4696735 (VCV004696735.1).

ClinVar aggregate classification (germline): Uncertain significance (1 of 4 stars; one submission).

gnomAD v4.1: 18 of 1,614,006 alleles (0.0011%); highest among the groups gnomAD compares: Middle Eastern, 0.016%; no homozygotes.

Submission:

Labcorp Genetics (formerly Invitae), Labcorp
Classification: Uncertain significance. Last evaluated: 2025-08-02. Review status: criteria provided, single submitter. Criteria: Invitae Variant Classification Sherloc (09022015). Collection method: clinical testing. Allele origin: germline.
Comment: This sequence change replaces alanine, which is neutral and non-polar, with threonine, which is neutral and polar, at codon 161 of the PHF21A protein (p.Ala161Thr). This variant is present in population databases (no rsID available, gnomAD 0.006%). This variant has not been reported in the literature in individuals affected with PHF21A-related conditions. Invitae Evidence Modeling of protein sequence and biophysical properties (such as structural, functional, and spatial information, amino acid conservation, physicochemical variation, residue mobility, and thermodynamic stability) indicates that this missense variant is not expected to disrupt PHF21A protein function with a negative predictive value of 80%. In summary, the available evidence is currently insufficient to determine the role of this variant in disease. Therefore, it has been classified as a Variant of Uncertain Significance.